The following is an entry in ClinVar:

ClinVar aggregate classification (germline): Uncertain significance. Review status: criteria provided, multiple submitters, no conflicts (2 of 4 stars). 2 submissions from 2 submitters: Uncertain significance (2). Last evaluated 2019-09-05.

Conditions:
Dilated cardiomyopathy 3B (CMD3B). Also called: CMD3B: DMD-Related Dilated Cardiomyopathy; CARDIOMYOPATHY, DILATED, X-LINKED; DMD-Associated Dilated Cardiomyopathy. Identifiers: Orphanet 154, MedGen C3668940, MONDO:0010542, OMIM 302045.

Submissions (2):

Centre for Mendelian Genomics, University Medical Centre Ljubljana
Classification: Uncertain significance for Dilated cardiomyopathy 3B. Last evaluated: 2019-09-05. Review status: criteria provided, single submitter. Criteria: ACMG Guidelines, 2015. Collection method: clinical testing. Allele origin: unknown. Affected: yes.
Comment: This variant was classified as: Uncertain significance. The available evidence favors the pathogenic nature of this variant, however the currently available data is insufficient to conclusively support its pathogenic nature. Thus this variant is classified as Uncertain significance - favor pathogenic. The following ACMG criteria were applied in classifying this variant: PM2,PP3. This variant was detected in hemizygous state.

Eurofins Ntd Llc (ga)
Classification: Uncertain significance. Last evaluated: 2015-06-02. Review status: criteria provided, single submitter. Criteria: EGL Classification Definitions 2015. Collection method: clinical testing. Allele origin: germline. Observed: 1 variant allele, 1 hemizygote.

NM_004006.3(DMD):c.2200T>C (p.Trp734Arg)

Gene: DMD (dystrophin; minus strand). Cytogenetic location: Xp21.1.
Variant type: single nucleotide variant.
Coding change: c.2200T>C on transcript NM_004006.3 (MANE Select); coding-DNA position 2200, T replaced by C.
Protein change: p.Trp734Arg; replaces tryptophan 734 with arginine.
Molecular consequence: missense variant.
Genome position (GRCh38, 1-based): chrX:32,518,100, A>G on the plus strand (T>C on the coding strand, the complement: DMD is on the minus strand). VCF-style: chrX-32518100-A-G. GRCh37 (hg19) VCF-style: chrX-32536217-A-G.
Other names: c.2176T>C, p.Trp726Arg (NM_000109.4); c.2188T>C, p.Trp730Arg (NM_004009.3); c.1831T>C, p.Trp611Arg (NM_004010.3); short protein forms W734R, W611R, W730R, W726R.
Identifiers: ClinVar variation 194845 (VCV000194845.8), dbSNP rs794727204, ClinGen allele CA241035.